The following is an entry in ClinVar:

ClinVar aggregate classification (germline): Likely benign. Review status: criteria provided, multiple submitters, no conflicts (2 of 4 stars). 2 submissions from 2 submitters: Likely benign (2). Last evaluated 2024-12-01.

Allele frequency attached by ClinVar (database versions not stated): ExAC 0.00002; TOPMed 0.00005.

Submissions (2):

CeGaT Center for Human Genetics Tuebingen
Classification: Likely benign. Last evaluated: 2024-12-01. Review status: criteria provided, single submitter. Criteria: CeGaT Center For Human Genetics Tuebingen Variant Classification Criteria Version 2. Collection method: clinical testing. Allele origin: germline. Affected: yes. Observed: 1 variant allele.
Comment: MKRN3: BP4, BP7

Labcorp Genetics (formerly Invitae), Labcorp
Classification: Likely benign. Last evaluated: 2019-12-31. Review status: criteria provided, single submitter. Criteria: Invitae Variant Classification Sherloc (09022015). Collection method: clinical testing. Allele origin: germline.

NM_005664.4(MKRN3):c.1311A>G (p.Ser437=)

Gene: MKRN3 (makorin ring finger protein 3; plus strand). Cytogenetic location: 15q11.2.
Variant type: single nucleotide variant.
Coding change: c.1311A>G on transcript NM_005664.4 (MANE Select); coding-DNA position 1311, A replaced by G.
Protein change: p.Ser437=; no amino-acid change (serine 437 retained).
Molecular consequence: synonymous variant.
Genome position (GRCh38, 1-based): chr15:23,567,093, A>G. VCF-style: chr15-23567093-A-G. GRCh37 (hg19) VCF-style: chr15-23812240-A-G.
Identifiers: ClinVar variation 747883 (VCV000747883.18), dbSNP rs765393082, ClinGen allele CA7429554.